The following is an entry in ClinVar:

ClinVar aggregate classification (germline): Uncertain significance (1 of 4 stars; one submission).

gnomAD v4.1: 1 of 1,580,456 alleles (0.000063%); highest among the groups gnomAD compares: Non-Finnish European, 0.000086%; no homozygotes.

Submission:

Ambry Genetics
Classification: Uncertain significance. Last evaluated: 2025-05-27. Review status: criteria provided, single submitter. Criteria: Ambry Variant Classification Scheme 2023. Collection method: clinical testing. Allele origin: germline.
Comment: The p.P448S variant (also known as c.1342C>T), located in coding exon 2 of the CDK12 gene, results from a C to T substitution at nucleotide position 1342. The proline at codon 448 is replaced by serine, an amino acid with similar properties. This amino acid position is conserved. In addition, this alteration is predicted to be tolerated by in silico analysis. Based on the available evidence, the clinical significance of this variant remains unclear.

NM_016507.4(CDK12):c.1342C>T (p.Pro448Ser)

Gene: CDK12 (cyclin dependent kinase 12; plus strand). Cytogenetic location: 17q12.
Variant type: single nucleotide variant.
Coding change: c.1342C>T on transcript NM_016507.4 (MANE Select); coding-DNA position 1342, C replaced by T.
Protein change: p.Pro448Ser; replaces proline 448 with serine.
Molecular consequence: missense variant.
Genome position (GRCh38, 1-based): chr17:39,471,174, C>T. VCF-style: chr17-39471174-C-T. GRCh37 (hg19) VCF-style: chr17-37627427-C-T.
Other names: c.1342C>T, p.Pro448Ser (NM_015083.4); short protein forms P448S.
Identifiers: ClinVar variation 3999501 (VCV003999501.1).
Genomic context (GRCh38, chr17:39,471,174, plus strand): 5'-CCTAGAAAAGAGAACAGTTCAGTAGAGGCTAAGGATTCAGGTTTGGAGTCTAAAAAGTTA[C>T]CCAGAAGTGTAAAATTGGAAAAATCTGCCCCAGATACTGAACTGGTGAATGTAACACATC-3'
Protein context (NP_057591.2, residues 438-458): KDSGLESKKL[Pro448Ser]RSVKLEKSAP